The following is an entry in ClinVar:

NM_000426.4(LAMA2):c.1864C>A (p.Gln622Lys)

Gene: LAMA2 (laminin subunit alpha 2; plus strand). Cytogenetic location: 6q22.33.
Variant type: single nucleotide variant.
Coding change: c.1864C>A on transcript NM_000426.4 (MANE Select); coding-DNA position 1864, C replaced by A.
Protein change: p.Gln622Lys; replaces glutamine 622 with lysine.
Molecular consequence: missense variant.
Genome position (GRCh38, 1-based): chr6:129,250,193, C>A. VCF-style: chr6-129250193-C-A. GRCh37 (hg19) VCF-style: chr6-129571338-C-A.
Other names: c.1864C>A, p.Gln622Lys (NM_001079823.2); short protein forms Q622K.
Identifiers: ClinVar variation 1471558 (VCV001471558.5), dbSNP rs866735449, ClinGen allele CA146918274.

ClinVar aggregate classification (germline): Uncertain significance (1 of 4 stars; one submission).

Conditions:
LAMA2-related muscular dystrophy (LAMA2-RD). Also called: Laminin alpha 2-related dystrophy. Identifiers: MedGen C5679788, MONDO:0100228.

Allele frequency attached by ClinVar (database versions not stated): gnomAD exomes below 0.00001; TOPMed below 0.00001; gnomAD 0.00001.
gnomAD v4.1: 5 of 1,588,494 alleles (0.00031%); highest among the groups gnomAD compares: Middle Eastern, 0.017%; no homozygotes.

Submission:

Labcorp Genetics (formerly Invitae), Labcorp
Classification: Uncertain significance for LAMA2-related muscular dystrophy. Last evaluated: 2021-09-24. Review status: criteria provided, single submitter. Criteria: Invitae Variant Classification Sherloc (09022015). Collection method: clinical testing. Allele origin: germline.
Comment: This sequence change replaces glutamine with lysine at codon 622 of the LAMA2 protein (p.Gln622Lys). The glutamine residue is weakly conserved and there is a small physicochemical difference between glutamine and lysine. This variant is not present in population databases (ExAC no frequency). This variant has not been reported in the literature in individuals affected with LAMA2-related conditions. Advanced modeling of protein sequence and biophysical properties (such as structural, functional, and spatial information, amino acid conservation, physicochemical variation, residue mobility, and thermodynamic stability) performed at Invitae indicates that this missense variant is not expected to disrupt LAMA2 protein function. In summary, the available evidence is currently insufficient to determine the role of this variant in disease. Therefore, it has been classified as a Variant of Uncertain Significance.